The following is an entry in ClinVar:

ClinVar aggregate classification (germline): Pathogenic (1 of 4 stars; one submission).

Conditions:
Legius syndrome. Identifiers: Orphanet 137605, MedGen C1969623, MONDO:0012669, OMIM 611431. Disease mechanism: loss of function.

Submission:

Labcorp Genetics (formerly Invitae), Labcorp
Classification: Pathogenic for Legius syndrome. Last evaluated: 2021-03-22. Review status: criteria provided, single submitter. Criteria: Invitae Variant Classification Sherloc (09022015). Collection method: clinical testing. Allele origin: germline.
Comment: This variant has not been reported in the literature in individuals with SPRED1-related conditions. This variant is not present in population databases (ExAC no frequency). For these reasons, this variant has been classified as Pathogenic. This sequence change creates a premature translational stop signal (p.Gln205*) in the SPRED1 gene. It is expected to result in an absent or disrupted protein product. Loss-of-function variants in SPRED1 are known to be pathogenic (PMID: 17704776).

Literature cited by the submitters: PubMed 17704776.

NM_152594.3(SPRED1):c.613C>T (p.Gln205Ter)

Gene: SPRED1 (sprouty related EVH1 domain containing 1; plus strand). Cytogenetic location: 15q14.
Variant type: single nucleotide variant.
Coding change: c.613C>T on transcript NM_152594.3 (MANE Select); coding-DNA position 613, C replaced by T.
Protein change: p.Gln205Ter; replaces glutamine 205 with a stop codon.
Molecular consequence: nonsense.
Genome position (GRCh38, 1-based): chr15:38,349,452, C>T. VCF-style: chr15-38349452-C-T. GRCh37 (hg19) VCF-style: chr15-38641653-C-T.
Other names: short protein forms Q205*.
Identifiers: ClinVar variation 1451597 (VCV001451597.6), dbSNP rs2141014847, ClinGen allele CA391932833.
Genomic context (GRCh38, chr15:38,349,452, plus strand): 5'-TCATTTAAGTAGAAATTGTTTGTATTTTAGATAACATTTGGTCAGCCAGGCTTGGACATT[C>T]AGAGCAGAAGTATGGAATACGTACAGCGGCAAATATCCAAGGAATGTGGAAGCCTAAAGT-3'